The following is an entry in ClinVar:

NM_001605.3(AARS1):c.597C>T (p.Asp199=)

Gene: AARS1 (alanyl-tRNA synthetase 1; minus strand). Cytogenetic location: 16q22.1.
Variant type: single nucleotide variant.
Coding change: c.597C>T on transcript NM_001605.3 (MANE Select); coding-DNA position 597, C replaced by T.
Protein change: p.Asp199=; no amino-acid change (aspartic acid 199 retained).
Molecular consequence: synonymous variant.
Genome position (GRCh38, 1-based): chr16:70,271,855, G>A on the plus strand (C>T on the coding strand, the complement: AARS1 is on the minus strand). VCF-style: chr16-70271855-G-A. GRCh37 (hg19) VCF-style: chr16-70305758-G-A.
Identifiers: ClinVar variation 696300 (VCV000696300.12), dbSNP rs371595834, ClinGen allele CA8141094.

ClinVar aggregate classification (germline): Likely benign. Review status: criteria provided, multiple submitters, no conflicts (2 of 4 stars). 2 submissions from 2 submitters: Likely benign (2). Last evaluated 2025-09-21.

Conditions:
Charcot-Marie-Tooth disease type 2. Also called: Charcot-Marie-Tooth type 2. Identifiers: Orphanet 64746, MedGen C0270914, MONDO:0018993.

Allele frequency attached by ClinVar (database versions not stated): gnomAD exomes 0.00004 and 0.00005; ESP Exome Variant Server 0.00008; 1000 Genomes Project 30x 0.00016; gnomAD 0.00007 and 0.00006; ExAC 0.00003; TOPMed 0.00005; 1000 Genomes Project 0.00020.
gnomAD v4.1: 76 of 1,613,892 alleles (0.0047%); highest among the groups gnomAD compares: South Asian, 0.0066%; no homozygotes.

Submissions (2):

Labcorp Genetics (formerly Invitae), Labcorp
Classification: Likely benign for Charcot-Marie-Tooth disease type 2. Last evaluated: 2025-09-21. Review status: criteria provided, single submitter. Criteria: Invitae Variant Classification Sherloc (09022015). Collection method: clinical testing. Allele origin: germline.

Women's Health and Genetics/Laboratory Corporation of America, LabCorp
Classification: Likely benign. Last evaluated: 2025-07-09. Review status: criteria provided, single submitter. Criteria: LabCorp Variant Classification Summary - May 2015. Collection method: clinical testing. Allele origin: germline.
Comment: Variant summary: AARS1 c.597C>T alters a conserved nucleotide resulting in a synonymous change. Consensus agreement among computation tools predict no significant impact on normal splicing. However, these predictions have yet to be confirmed by functional studies. The variant allele was found at a frequency of 3.9e-05 in 282694 control chromosomes. This frequency is not significantly higher than estimated for a pathogenic variant in AARS1 causing Developmental and epileptic encephalopathy, 29, allowing no conclusion about variant significance. To our knowledge, no occurrence of c.597C>T in individuals affected with Developmental and epileptic encephalopathy, 29 and no experimental evidence demonstrating its impact on protein function have been reported. ClinVar contains an entry for this variant (Variation ID: 696300). Based on the evidence outlined above, the variant was classified as likely benign.